The following is an entry in ClinVar:

NM_030665.4(RAI1):c.3504C>T (p.Leu1168=)

Gene: RAI1 (retinoic acid induced 1; plus strand). Cytogenetic location: 17p11.2.
Variant type: single nucleotide variant.
Coding change: c.3504C>T on transcript NM_030665.4 (MANE Select); coding-DNA position 3504, C replaced by T.
Protein change: p.Leu1168=; no amino-acid change (leucine 1168 retained).
Molecular consequence: synonymous variant.
Genome position (GRCh38, 1-based): chr17:17,796,452, C>T. VCF-style: chr17-17796452-C-T. GRCh37 (hg19) VCF-style: chr17-17699766-C-T.
Identifiers: ClinVar variation 3356000 (VCV003356000.1).
Genomic context (GRCh38, chr17:17,796,452, plus strand): 5'-ACGCACCAAAACCCAGGAGATCTTCCACTCCAAGCGGCGGAGGCCCTCTGAGGGCCGGCT[C>T]CCCAACTGCCGTGCCACCAAGAAGCTCCTCGACAACAGCCACTTGCCCGCCACATTCAAG-3'
Protein context (NP_109590.3, residues 1158-1178): SKRRRPSEGR[Leu1168=]PNCRATKKLL

ClinVar aggregate classification (germline): Likely benign (0 of 4 stars; one submission).

Conditions:
RAI1-related disorder. Also called: RAI1-related condition.

gnomAD v4.1: 2 of 1,612,854 alleles (0.00012%); highest among the groups gnomAD compares: African/African-American, 0.0013%; no homozygotes.

Submission:

PreventionGenetics, part of Exact Sciences
Classification: Likely benign for RAI1-related condition. Last evaluated: 2023-07-14. Review status: no assertion criteria provided. Collection method: clinical testing. Allele origin: germline.
Comment: This variant is classified as likely benign based on ACMG/AMP sequence variant interpretation guidelines (Richards et al. 2015 PMID: 25741868, with internal and published modifications).